The following is an entry in ClinVar:

ClinVar aggregate classification (germline): Uncertain significance. Review status: criteria provided, multiple submitters, no conflicts (2 of 4 stars). 4 submissions from 4 submitters: Uncertain significance (4). Last evaluated 2024-10-12.

Conditions:
Type 2 diabetes mellitus. Also called: Type II diabetes mellitus. Identifiers: MedGen C0011860, MeSH D003924, MONDO:0005148, OMIM 125853, HP:0005978.
Fanconi-Bickel syndrome (FBS). Also called: FANCONI SYNDROME WITH INTESTINAL MALABSORPTION AND GALACTOSE INTOLERANCE; HEPATIC GLYCOGENOSIS WITH AMINO ACIDURIA AND GLUCOSURIA; HEPATIC GLYCOGENOSIS WITH FANCONI NEPHROPATHY; HEPATORENAL GLYCOGENOSIS WITH RENAL FANCONI SYNDROME; Glycogen storage disease due to GLUT2 deficiency; PSEUDO-PHLORIZIN DIABETES. Identifiers: Orphanet 2088, MedGen C3495427, MONDO:0009216, OMIM 227810.
Inborn genetic diseases. Identifiers: MedGen C0950123, MeSH D030342.

Allele frequency attached by ClinVar (database versions not stated): TOPMed 0.00003; gnomAD 0.00004 and 0.00005; gnomAD exomes 0.00004 and 0.00010; ExAC 0.00005.
gnomAD v4.1: 147 of 1,609,872 alleles (0.0091%); highest among the groups gnomAD compares: Non-Finnish European, 0.012%; no homozygotes.

Submissions (4):

Ambry Genetics
Classification: Uncertain significance for Inborn genetic diseases. Last evaluated: 2024-10-12. Review status: criteria provided, single submitter. Criteria: Ambry Variant Classification Scheme 2023. Collection method: clinical testing. Allele origin: germline.

Fulgent Genetics
Classification: Uncertain significance for Type 2 diabetes mellitus; Fanconi-Bickel syndrome. Last evaluated: 2024-01-21. Review status: criteria provided, single submitter. Criteria: ACMG Guidelines, 2015. Collection method: clinical testing. Allele origin: germline.

Labcorp Genetics (formerly Invitae), Labcorp
Classification: Uncertain significance for Fanconi-Bickel syndrome. Last evaluated: 2023-09-27. Review status: criteria provided, single submitter. Criteria: Invitae Variant Classification Sherloc (09022015). Collection method: clinical testing. Allele origin: germline.
Comment: Advanced modeling of protein sequence and biophysical properties (such as structural, functional, and spatial information, amino acid conservation, physicochemical variation, residue mobility, and thermodynamic stability) performed at Invitae indicates that this missense variant is not expected to disrupt SLC2A2 protein function. This sequence change replaces alanine, which is neutral and non-polar, with threonine, which is neutral and polar, at codon 347 of the SLC2A2 protein (p.Ala347Thr). This variant is present in population databases (rs776435170, gnomAD 0.009%). This variant has not been reported in the literature in individuals affected with SLC2A2-related conditions. ClinVar contains an entry for this variant (Variation ID: 344163). In summary, the available evidence is currently insufficient to determine the role of this variant in disease. Therefore, it has been classified as a Variant of Uncertain Significance.

Illumina Laboratory Services, Illumina
Classification: Uncertain significance for Fanconi-Bickel syndrome. Last evaluated: 2018-01-13. Review status: criteria provided, single submitter. Criteria: ICSL Variant Classification Criteria 13 December 2019. Collection method: clinical testing. Allele origin: germline.

NM_000340.2(SLC2A2):c.1039G>A (p.Ala347Thr)

Gene: SLC2A2 (solute carrier family 2 member 2; minus strand). Cytogenetic location: 3q26.2.
Variant type: single nucleotide variant.
Coding change: c.1039G>A on transcript NM_000340.2 (MANE Select); coding-DNA position 1039, G replaced by A.
Protein change: p.Ala347Thr; replaces alanine 347 with threonine.
Molecular consequence: missense variant.
Genome position (GRCh38, 1-based): chr3:171,002,605, C>T on the plus strand (G>A on the coding strand, the complement: SLC2A2 is on the minus strand). VCF-style: chr3-171002605-C-T. GRCh37 (hg19) VCF-style: chr3-170720394-C-T.
Other names: c.682G>A, p.Ala228Thr (NM_001278658.2); c.520G>A, p.Ala174Thr (NM_001278659.2); short protein forms A347T, A174T, A228T.
Identifiers: ClinVar variation 344163 (VCV000344163.9), dbSNP rs776435170, ClinGen allele CA2702514.